The following is an entry in ClinVar:

ClinVar aggregate classification (germline): Likely benign. Review status: criteria provided, single submitter (1 of 4 stars). 2 submissions from 2 submitters: Likely benign (1). 1 of the submissions does not count toward it. Last evaluated 2025-09-08.

Conditions:
CIB2-related disorder. Also called: CIB2-related condition.

Allele frequency attached by ClinVar (database versions not stated): gnomAD exomes 0.00001 and 0.00003; ExAC 0.00002; TOPMed 0.00002; gnomAD 0.00005; ESP Exome Variant Server 0.00008.
gnomAD v4.1: 47 of 1,612,352 alleles (0.0029%); highest among the groups gnomAD compares: South Asian, 0.0077%; no homozygotes.

Submissions (2):

Labcorp Genetics (formerly Invitae), Labcorp
Classification: Likely benign. Last evaluated: 2025-09-08. Review status: criteria provided, single submitter. Criteria: Invitae Variant Classification Sherloc (09022015). Collection method: clinical testing. Allele origin: germline.

PreventionGenetics, part of Exact Sciences
Classification: Likely benign for CIB2-related condition. Last evaluated: 2022-07-19. Review status: no assertion criteria provided. Collection method: clinical testing. Allele origin: germline. Not counted in ClinVar's aggregate classification.
Comment: This variant is classified as likely benign based on ACMG/AMP sequence variant interpretation guidelines (Richards et al. 2015 PMID: 25741868, with internal and published modifications).

NM_006383.4(CIB2):c.297C>T (p.Cys99=)

Gene: CIB2 (calcium and integrin binding family member 2; minus strand). Cytogenetic location: 15q25.1.
Variant type: single nucleotide variant.
Coding change: c.297C>T on transcript NM_006383.4 (MANE Select); coding-DNA position 297, C replaced by T.
Protein change: p.Cys99=; no amino-acid change (cysteine 99 retained).
Molecular consequence: synonymous variant. On other transcripts: non-coding transcript variant (1).
Genome position (GRCh38, 1-based): chr15:78,109,284, G>A on the plus strand (C>T on the coding strand, the complement: CIB2 is on the minus strand). VCF-style: chr15-78109284-G-A. GRCh37 (hg19) VCF-style: chr15-78401626-G-A.
Other names: c.168C>T, p.Cys56= (NM_001271888.2); c.150C>T, p.Cys50= (NM_001271889.2); c.312C>T, p.Cys104= (NM_001301224.2).
Identifiers: ClinVar variation 957351 (VCV000957351.11), dbSNP rs370965183, ClinGen allele CA7680243.